The following is an entry in ClinVar:

NM_001005361.3(DNM2):c.2497T>C (p.Ser833Pro)

Gene: DNM2 (dynamin 2; plus strand). Cytogenetic location: 19p13.2.
Variant type: single nucleotide variant.
Coding change: c.2497T>C on transcript NM_001005361.3 (MANE Select); coding-DNA position 2497, T replaced by C.
Protein change: p.Ser833Pro; replaces serine 833 with proline.
Molecular consequence: missense variant.
Genome position (GRCh38, 1-based): chr19:10,830,332, T>C. VCF-style: chr19-10830332-T-C. GRCh37 (hg19) VCF-style: chr19-10941008-T-C.
Other names: c.2497T>C, p.Ser833Pro (NM_001005360.3, NM_001190716.2); c.2485T>C, p.Ser829Pro (NM_001005362.3, NM_004945.4); short protein forms S833P, S829P.
Identifiers: ClinVar variation 533829 (VCV000533829.8), dbSNP rs1253864930, ClinGen allele CA404044261.

ClinVar aggregate classification (germline): Uncertain significance (1 of 4 stars; one submission).

Conditions:
Charcot-Marie-Tooth disease dominant intermediate B (CMTDIB). Also called: CHARCOT-MARIE-TOOTH NEUROPATHY, DOMINANT INTERMEDIATE B; Charcot-Marie-Tooth disease dominant intermediate 1; CMT DI1; Charcot-Marie-Tooth disease dominant intermediate I. Identifiers: Orphanet 100044, Orphanet 228179, MedGen C1847902, MONDO:0011674, OMIM 606482.

Allele frequency attached by ClinVar (database versions not stated): gnomAD exomes below 0.00001 and 0.00001; TOPMed below 0.00001.
gnomAD v4.1: 2 of 1,613,254 alleles (0.00012%); highest among the groups gnomAD compares: Non-Finnish European, 0.00017%; no homozygotes.

Submission:

Labcorp Genetics (formerly Invitae), Labcorp
Classification: Uncertain significance for Charcot-Marie-Tooth disease dominant intermediate B. Last evaluated: 2022-10-24. Review status: criteria provided, single submitter. Criteria: Invitae Variant Classification Sherloc (09022015). Collection method: clinical testing. Allele origin: germline.
Comment: This variant has not been reported in the literature in individuals affected with DNM2-related conditions. ClinVar contains an entry for this variant (Variation ID: 533829). Advanced modeling of protein sequence and biophysical properties (such as structural, functional, and spatial information, amino acid conservation, physicochemical variation, residue mobility, and thermodynamic stability) has been performed at Invitae for this missense variant, however the output from this modeling did not meet the statistical confidence thresholds required to predict the impact of this variant on DNM2 protein function. In summary, the available evidence is currently insufficient to determine the role of this variant in disease. Therefore, it has been classified as a Variant of Uncertain Significance. This variant is present in population databases (no rsID available, gnomAD 0.002%). This sequence change replaces serine, which is neutral and polar, with proline, which is neutral and non-polar, at codon 833 of the DNM2 protein (p.Ser833Pro).